The following is an entry in ClinVar:

NM_053025.4(MYLK):c.2021G>T (p.Arg674Ile)

Gene: MYLK (myosin light chain kinase; minus strand). Cytogenetic location: 3q21.1.
Variant type: single nucleotide variant.
Coding change: c.2021G>T on transcript NM_053025.4 (MANE Select); coding-DNA position 2021, G replaced by T.
Protein change: p.Arg674Ile; replaces arginine 674 with isoleucine.
Molecular consequence: missense variant.
Genome position (GRCh38, 1-based): chr3:123,708,817, C>A on the plus strand (G>T on the coding strand, the complement: MYLK is on the minus strand). VCF-style: chr3-123708817-C-A. GRCh37 (hg19) VCF-style: chr3-123427664-C-A.
Other names: c.1493G>T, p.Arg498Ile (NM_001321309.2); c.1814G>T, p.Arg605Ile (NM_053026.4, NM_053028.4); c.2021G>T, p.Arg674Ile (NM_053027.4); short protein forms R605I, R674I, R498I.
Identifiers: ClinVar variation 2308914 (VCV002308914.4), dbSNP rs1188684233, ClinGen allele CA354234444.

ClinVar aggregate classification (germline): Uncertain significance. Review status: criteria provided, multiple submitters, no conflicts (2 of 4 stars). 2 submissions from 2 submitters: Uncertain significance (2). Last evaluated 2025-05-30.

Conditions:
Familial thoracic aortic aneurysm and aortic dissection (TAAD). Also called: Thoracic aortic aneurysms and dissections. Identifiers: Orphanet 91387, MedGen C4707243, MONDO:0019625.

Submissions (2):

Ambry Genetics
Classification: Uncertain significance for Familial thoracic aortic aneurysm and aortic dissection. Last evaluated: 2025-05-30. Review status: criteria provided, single submitter. Criteria: Ambry Variant Classification Scheme 2023. Collection method: clinical testing. Allele origin: germline.
Comment: The p.R674I variant (also known as c.2021G>T), located in coding exon 12 of the MYLK gene, results from a G to T substitution at nucleotide position 2021. The arginine at codon 674 is replaced by isoleucine, an amino acid with similar properties. This amino acid position is conserved. In addition, this alteration is predicted to be tolerated by in silico analysis. Based on the available evidence, the clinical significance of this variant remains unclear.

GeneDx
Classification: Uncertain significance. Last evaluated: 2023-12-28. Review status: criteria provided, single submitter. Criteria: GeneDx Variant Classification Process June 2021. Collection method: clinical testing. Allele origin: germline. Affected: yes.
Comment: Has not been previously published as pathogenic or benign to our knowledge; Not observed at significant frequency in large population cohorts (gnomAD); In silico analysis supports that this missense variant has a deleterious effect on protein structure/function